The following is an entry in ClinVar:

ClinVar aggregate classification (germline): Uncertain significance. Review status: criteria provided, multiple submitters, no conflicts (2 of 4 stars). 4 submissions from 4 submitters: Uncertain significance (3). 1 of the submissions does not count toward it. Last evaluated 2021-12-03.

Conditions:
Neuronal ceroid lipofuscinosis. Also called: Neuronal Ceroid Lipofuscinoses. Identifiers: Orphanet 216, Orphanet 79263, MedGen C0027877, MONDO:0016295. Disease mechanism: loss of function.
Ceroid lipofuscinosis, neuronal, 6A. Also called: Neuronal ceroid lipofuscinosis, late infantile, variant; Neuronal ceroid lipofuscinosis, Gypsy/Indian early juvenile variant; Neuronal ceroid lipofuscinosis 6; CLN6-Related Neuronal Ceroid-Lipofuscinosis. Identifiers: Orphanet 168491, Orphanet 228363, MedGen C5551375, MONDO:0011144, OMIM 601780.

Allele frequency attached by ClinVar (database versions not stated): gnomAD exomes 0.00001 and 0.00002; ExAC 0.00002; TOPMed 0.00003; gnomAD 0.00004.
gnomAD v4.1: 25 of 1,613,676 alleles (0.0015%); highest among the groups gnomAD compares: Middle Eastern, 0.017%; no homozygotes.

Submissions (4):

Labcorp Genetics (formerly Invitae), Labcorp
Classification: Uncertain significance for Neuronal ceroid lipofuscinosis. Last evaluated: 2021-12-03. Review status: criteria provided, single submitter. Criteria: Invitae Variant Classification Sherloc (09022015). Collection method: clinical testing. Allele origin: germline.
Comment: This sequence change replaces lysine, which is basic and polar, with glutamic acid, which is acidic and polar, at codon 201 of the CLN6 protein (p.Lys201Glu). This variant is present in population databases (rs587780316, gnomAD 0.008%). This variant has not been reported in the literature in individuals affected with CLN6-related conditions. ClinVar contains an entry for this variant (Variation ID: 128787). Algorithms developed to predict the effect of missense changes on protein structure and function (SIFT, PolyPhen-2, Align-GVGD) all suggest that this variant is likely to be tolerated. In summary, the available evidence is currently insufficient to determine the role of this variant in disease. Therefore, it has been classified as a Variant of Uncertain Significance.

Athena Diagnostics
Classification: Uncertain significance. Last evaluated: 2017-06-23. Review status: criteria provided, single submitter. Criteria: Athena Diagnostics Criteria. Collection method: clinical testing. Allele origin: germline.

Genetic Services Laboratory, University of Chicago
Classification: Uncertain significance. Last evaluated: 2014-01-24. Review status: criteria provided, single submitter. Criteria: ACMG Guidelines, 2007. Collection method: clinical testing. Allele origin: germline. Inheritance: Autosomal recessive inheritance.

Counsyl
Classification: Uncertain significance for Ceroid lipofuscinosis, neuronal, 6A. Last evaluated: 2017-05-19. Review status: no assertion criteria provided. Collection method: clinical testing. Allele origin: unknown. Not counted in ClinVar's aggregate classification.

NM_017882.3(CLN6):c.601A>G (p.Lys201Glu)

Gene: CLN6 (CLN6 transmembrane ER protein; minus strand). Cytogenetic location: 15q23.
Variant type: single nucleotide variant.
Coding change: c.601A>G on transcript NM_017882.3 (MANE Select); coding-DNA position 601, A replaced by G.
Protein change: p.Lys201Glu; replaces lysine 201 with glutamic acid.
Molecular consequence: missense variant.
Genome position (GRCh38, 1-based): chr15:68,209,701, T>C on the plus strand (A>G on the coding strand, the complement: CLN6 is on the minus strand). VCF-style: chr15-68209701-T-C. GRCh37 (hg19) VCF-style: chr15-68502039-T-C.
Other names: short protein forms K201E.
Identifiers: ClinVar variation 128787 (VCV000128787.13), dbSNP rs587780316, ClinGen allele CA231034.